The following is an entry in ClinVar:

NM_016492.5(RANGRF):c.250T>G (p.Ser84Ala)

Genes: RANGRF (RAN guanine nucleotide release factor; plus strand), SLC25A35 (solute carrier family 25 member 35; minus strand). Cytogenetic location: 17p13.1.
Variant type: single nucleotide variant.
Coding change: c.250T>G on transcript NM_016492.5 (MANE Select); coding-DNA position 250, T replaced by G.
Protein change: p.Ser84Ala; replaces serine 84 with alanine.
Molecular consequence: missense variant. On other transcripts: 3 prime UTR variant (2), non-coding transcript variant (2), intron variant (1).
Genome position (GRCh38, 1-based): chr17:8,289,313, T>G. VCF-style: chr17-8289313-T-G. GRCh37 (hg19) VCF-style: chr17-8192631-T-G.
Other names: c.250T>G, p.Ser84Ala (NM_001177801.2, NM_001177802.2, NM_001330127.2); c.*170A>C (NM_001320872.2); c.*303A>C (NM_201520.3); c.*42+261A>C (NM_001320871.2); short protein forms S84A.
Identifiers: ClinVar variation 1053924 (VCV001053924.11), dbSNP rs755244411, ClinGen allele CA397994815.

ClinVar aggregate classification (germline): Uncertain significance. Review status: criteria provided, multiple submitters, no conflicts (2 of 4 stars). 2 submissions from 2 submitters: Uncertain significance (2). Last evaluated 2021-03-16.

Conditions:
Cardiac arrhythmia. Also called: Arrhythmia; Cardiac rhythm disease. Identifiers: MedGen C0003811, MONDO:0007263, HP:0011675.

Allele frequency attached by ClinVar (database versions not stated): gnomAD 0.00001.
gnomAD v4.1: 3 of 1,613,736 alleles (0.00019%); highest among the groups gnomAD compares: Non-Finnish European, 0.00025%; no homozygotes.

Submissions (2):

Labcorp Genetics (formerly Invitae), Labcorp
Classification: Uncertain significance for Cardiac arrhythmia. Last evaluated: 2021-03-16. Review status: criteria provided, single submitter. Criteria: Invitae Variant Classification Sherloc (09022015). Collection method: clinical testing. Allele origin: germline.
Comment: Algorithms developed to predict the effect of missense changes on protein structure and function output the following: SIFT: "Tolerated"; PolyPhen-2: "Benign"; Align-GVGD: "Class C0". The alanine amino acid residue is found in multiple mammalian species, suggesting that this missense change does not adversely affect protein function. These predictions have not been confirmed by published functional studies and their clinical significance is uncertain. In summary, the available evidence is currently insufficient to determine the role of this variant in disease. Therefore, it has been classified as a Variant of Uncertain Significance. This variant has not been reported in the literature in individuals with RANGRF-related conditions. This variant is not present in population databases (ExAC no frequency). This sequence change replaces serine with alanine at codon 84 of the RANGRF protein (p.Ser84Ala). The serine residue is highly conserved and there is a moderate physicochemical difference between serine and alanine.

Breakthrough Genomics
Classification: Uncertain significance. Review status: criteria provided, single submitter. Criteria: ACMG Guidelines, 2015. Collection method: not provided. Allele origin: germline. Inheritance: Unknown mechanism. Affected: yes.